The following is an entry in ClinVar:

NM_181672.3(OGT):c.1536A>G (p.Leu512=)

Gene: OGT (O-linked N-acetylglucosamine (GlcNAc) transferase; plus strand). Cytogenetic location: Xq13.1.
Variant type: single nucleotide variant.
Coding change: c.1536A>G on transcript NM_181672.3 (MANE Select); coding-DNA position 1536, A replaced by G.
Protein change: p.Leu512=; no amino-acid change (leucine 512 retained).
Molecular consequence: synonymous variant.
Genome position (GRCh38, 1-based): chrX:71,557,606, A>G. VCF-style: chrX-71557606-A-G. GRCh37 (hg19) VCF-style: chrX-70777456-A-G.
Other names: c.1506A>G, p.Leu502= (NM_181673.3).
Identifiers: ClinVar variation 3040554 (VCV003040554.2), dbSNP rs143784248, ClinGen allele CA10447668.

ClinVar aggregate classification (germline): Likely benign (0 of 4 stars; one submission).

Conditions:
OGT-related disorder. Also called: OGT-related condition.

Allele frequency attached by ClinVar (database versions not stated): TOPMed 0.00010; ESP Exome Variant Server 0.00028.
gnomAD v4.1: 134 of 1,208,324 alleles (0.011%); highest among the groups gnomAD compares: Middle Eastern, 0.11%; no homozygotes.

Submission:

PreventionGenetics, part of Exact Sciences
Classification: Likely benign for OGT-related condition. Last evaluated: 2019-04-12. Review status: no assertion criteria provided. Collection method: clinical testing. Allele origin: germline.
Comment: This variant is classified as likely benign based on ACMG/AMP sequence variant interpretation guidelines (Richards et al. 2015 PMID: 25741868, with internal and published modifications).